The following is an entry in ClinVar:

ClinVar aggregate classification (germline): Uncertain significance (1 of 4 stars; one submission).

gnomAD v4.1: 4 of 1,614,054 alleles (0.00025%); highest among the groups gnomAD compares: African/African-American, 0.0053%; no homozygotes.

Submission:

Labcorp Genetics (formerly Invitae), Labcorp
Classification: Uncertain significance. Last evaluated: 2025-09-14. Review status: criteria provided, single submitter. Criteria: Invitae Variant Classification Sherloc (09022015). Collection method: clinical testing. Allele origin: germline.
Comment: This sequence change replaces valine, which is neutral and non-polar, with leucine, which is neutral and non-polar, at codon 1068 of the TRRAP protein (p.Val1068Leu). This variant is present in population databases (rs141707965, gnomAD 0.02%). This variant has not been reported in the literature in individuals affected with TRRAP-related conditions. An algorithm developed to predict the effect of missense changes on protein structure and function (PolyPhen-2) suggests that this variant is likely to be tolerated. In summary, the available evidence is currently insufficient to determine the role of this variant in disease. Therefore, it has been classified as a Variant of Uncertain Significance.

NM_001375524.1(TRRAP):c.3202G>T (p.Val1068Leu)

Gene: TRRAP (transformation/transcription domain associated protein; plus strand). Cytogenetic location: 7q22.1.
Variant type: single nucleotide variant.
Coding change: c.3202G>T on transcript NM_001375524.1 (MANE Select); coding-DNA position 3202, G replaced by T.
Protein change: p.Val1068Leu; replaces valine 1068 with leucine.
Molecular consequence: missense variant.
Genome position (GRCh38, 1-based): chr7:98,930,015, G>T. VCF-style: chr7-98930015-G-T. GRCh37 (hg19) VCF-style: chr7-98527638-G-T.
Other names: c.3202G>T, p.Val1068Leu (NM_001244580.2, NM_003496.4); short protein forms V1068L.
Identifiers: ClinVar variation 4752962 (VCV004752962.1).
Genomic context (GRCh38, chr7:98,930,015, plus strand): 5'-CTGTTCTCACGTGCCTTCCCATCTCTCCTTTTAGGCCCTTTCTTGCTGCCTTGCTACCAG[G>T]TGGGCAGCCAGCCCAGCACAGCCATGTTTCACAGTGAAGAAAATGGCTCGAAAGGAATGG-3'
Protein context (NP_001362453.1, residues 1058-1078): CGPFLLPCYQ[Val1068Leu]GSQPSTAMFH